The following is an entry in ClinVar:

ClinVar aggregate classification (germline): Uncertain significance (1 of 4 stars; one submission).

Submission:

Geisinger Autism and Developmental Medicine Institute, Geisinger Health System
Classification: Uncertain significance. Last evaluated: 2018-03-30. Review status: criteria provided, single submitter. Criteria: ACMG CNV Guidelines, 2011. Collection method: provider interpretation. Allele origin: maternal.
Comment: This deletion contains 13 genes, including six OMIM genes: PTPN12, MAGI2, GNAI1, GNAT3, CD36, and SEMA3C. Individuals with varaints in CD36 are typically asymptomatic carriers for platelet glycoprotein IV deficiency. The clinical significance of this deletion beyond carrier status remains unclear at this time.

Single allele

Genes: CD36 (CD36 molecule (CD36 blood group); plus strand), GNAI1 (G protein subunit alpha i1; plus strand), GNAT3 (G protein subunit alpha transducin 3; minus strand), MAGI2 (membrane associated guanylate kinase, WW and PDZ domain containing 2; minus strand), PHTF2 (putative homeodomain transcription factor 2; plus strand) and 4 more. Cytogenetic location: 7q11.23-21.11.
Variant type: Deletion.
Identifiers: ClinVar variation 560131 (VCV000560131.3).